The following is an entry in ClinVar:

NM_000275.3(OCA2):c.1079C>T (p.Ser360Phe)

Gene: OCA2 (OCA2 melanosomal transmembrane protein; minus strand). Cytogenetic location: 15q13.1.
Variant type: single nucleotide variant.
Coding change: c.1079C>T on transcript NM_000275.3 (MANE Select); coding-DNA position 1079, C replaced by T.
Protein change: p.Ser360Phe; replaces serine 360 with phenylalanine.
Molecular consequence: missense variant. On other transcripts: intron variant (1).
Genome position (GRCh38, 1-based): chr15:27,990,613, G>A on the plus strand (C>T on the coding strand, the complement: OCA2 is on the minus strand). VCF-style: chr15-27990613-G-A. GRCh37 (hg19) VCF-style: chr15-28235759-G-A.
Other names: c.1045-947C>T (NM_001300984.2); short protein forms S360F.
Identifiers: ClinVar variation 2907462 (VCV002907462.4), dbSNP rs2548363498, ClinGen allele CA391362372.

ClinVar aggregate classification (germline): Pathogenic. Review status: criteria provided, multiple submitters, no conflicts (2 of 4 stars). 2 submissions from 2 submitters: Pathogenic (2). Last evaluated 2025-03-07.

Conditions:
Oculocutaneous albinism. Identifiers: Orphanet 55, MedGen C0078918, MONDO:0018910.

Submissions (2):

Women's Health and Genetics/Laboratory Corporation of America, LabCorp
Classification: Pathogenic for Oculocutaneous albinism. Last evaluated: 2025-03-07. Review status: criteria provided, single submitter. Criteria: LabCorp Variant Classification Summary - May 2015. Collection method: clinical testing. Allele origin: germline.
Comment: Variant summary: OCA2 c.1079C>T (p.Ser360Phe) results in a non-conservative amino acid change in the encoded protein sequence. Five of five in-silico tools predict a damaging effect of the variant on protein function. The variant was absent in 251144 control chromosomes. c.1079C>T has been reported in the literature in the homozygous and compound heterozygous state in multiple individuals affected with Oculocutaneous Albinism (Wei_2022, Lin_2019, Yuan_2024). These data indicate that the variant is very likely to be associated with disease. The following publications have been ascertained in the context of this evaluation (PMID: 31199599, 34838614, 38926510). ClinVar contains an entry for this variant (Variation ID: 2907462). Based on the evidence outlined above, the variant was classified as pathogenic.

Labcorp Genetics (formerly Invitae), Labcorp
Classification: Pathogenic. Last evaluated: 2023-12-05. Review status: criteria provided, single submitter. Criteria: Invitae Variant Classification Sherloc (09022015). Collection method: clinical testing. Allele origin: germline.
Comment: This sequence change replaces serine, which is neutral and polar, with phenylalanine, which is neutral and non-polar, at codon 360 of the OCA2 protein (p.Ser360Phe). This variant is not present in population databases (gnomAD no frequency). This missense change has been observed in individual(s) with oculocutaneous albinism (PMID: 31199599, 34838614). In at least one individual the data is consistent with being in trans (on the opposite chromosome) from a pathogenic variant. Advanced modeling of protein sequence and biophysical properties (such as structural, functional, and spatial information, amino acid conservation, physicochemical variation, residue mobility, and thermodynamic stability) has been performed at Invitae for this missense variant, however the output from this modeling did not meet the statistical confidence thresholds required to predict the impact of this variant on OCA2 protein function. For these reasons, this variant has been classified as Pathogenic.

Literature cited by the submitters: PubMed 34838614 (cited by Women's Health and Genetics/Laboratory Corporation of America, LabCorp and Labcorp Genetics (formerly Invitae), Labcorp); PubMed 31199599 (cited by Women's Health and Genetics/Laboratory Corporation of America, LabCorp and Labcorp Genetics (formerly Invitae), Labcorp); PubMed 38926510 (cited by Women's Health and Genetics/Laboratory Corporation of America, LabCorp).